The following is an entry in ClinVar:

NM_001355436.2(SPTB):c.983_984del (p.Arg328fs)

Gene: SPTB (spectrin beta, erythrocytic; minus strand). Cytogenetic location: 14q23.3.
Variant type: Deletion.
Coding change: c.983_984del on transcript NM_001355436.2 (MANE Select); coding-DNA positions 983 to 984, 2 bases deleted (GC; older notation c.983_984delGC).
Protein change: p.Arg328fs; shifts the reading frame from arginine 328.
Molecular consequence: frameshift variant.
Genome position (GRCh38, 1-based): chr14:64,799,827-64,799,828, GC deleted on the plus strand (GC on the coding strand, the reverse complement: SPTB is on the minus strand); deleting any 2 consecutive bases within chr14:64,799,827-64,799,829 gives the same sequence; the c. name uses the placement nearest the transcript's 3' end. VCF-style (leftmost placement, unchanged base first): chr14-64799826-TGC-T. GRCh37 (hg19) VCF-style: chr14-65266544-TGC-T.
Other names: c.983_984del, p.Arg328fs (NM_001024858.4, NM_001355437.2); short protein forms R328fs.
Identifiers: ClinVar variation 2683481 (VCV002683481.1), dbSNP rs2503198347, ClinGen allele CA2697554047.
Genomic context (GRCh38, chr14:64,799,826, plus strand): 5'-TGCGGTAGGTGCTGAAGGCCTGCAGCTGCTGCTGGACGCCCGTCAGCGAGTTGGCAAACT[TGC>T]GGCTGTTCAGGACAGTGATGGTCTGCTCGATCCAGGTGAGCAGGTCCGAGGCTAGCCCGC-3'

ClinVar aggregate classification (germline): Likely pathogenic (1 of 4 stars; one submission).

Submission:

Mayo Clinic Laboratories, Mayo Clinic
Classification: Likely pathogenic. Last evaluated: 2022-06-03. Review status: criteria provided, single submitter. Criteria: ACMG Guidelines, 2015. Collection method: clinical testing. Allele origin: germline. Observed: 1 variant allele.
Comment: PM2, PVS1